The following is an entry in ClinVar:

NM_000222.3(KIT):c.1455C>A (p.His485Gln)

Gene: KIT (KIT proto-oncogene, receptor tyrosine kinase; plus strand). Cytogenetic location: 4q12.
Variant type: single nucleotide variant.
Coding change: c.1455C>A on transcript NM_000222.3 (MANE Select); coding-DNA position 1455, C replaced by A.
Protein change: p.His485Gln; replaces histidine 485 with glutamine.
Molecular consequence: missense variant.
Genome position (GRCh38, 1-based): chr4:54,725,965, C>A. VCF-style: chr4-54725965-C-A. GRCh37 (hg19) VCF-style: chr4-55592131-C-A.
Other names: c.1455C>A, p.His485Gln (NM_001093772.2, NM_001385285.1, NM_001385286.1); c.1458C>A, p.His486Gln (NM_001385284.1, NM_001385288.1, NM_001385290.1 and 1 more transcripts); short protein forms H485Q, H486Q.
Identifiers: ClinVar variation 1060447 (VCV001060447.9), dbSNP rs1331885453, ClinGen allele CA356906436.

ClinVar aggregate classification (germline): Uncertain significance (1 of 4 stars; one submission).

Conditions:
Gastrointestinal stromal tumor. Also called: Gastrointestinal stromal tumor, somatic; Gastrointestinal stroma tumor. Identifiers: Orphanet 44890, MedGen C0238198, MeSH D046152, MONDO:0011719, OMIM 606764, HP:0100723.

Submission:

Labcorp Genetics (formerly Invitae), Labcorp
Classification: Uncertain significance for Gastrointestinal stromal tumor. Last evaluated: 2024-07-17. Review status: criteria provided, single submitter. Criteria: Invitae Variant Classification Sherloc (09022015). Collection method: clinical testing. Allele origin: germline.
Comment: This sequence change replaces histidine, which is basic and polar, with glutamine, which is neutral and polar, at codon 485 of the KIT protein (p.His485Gln). This variant is not present in population databases (gnomAD no frequency). This variant has not been reported in the literature in individuals affected with KIT-related conditions. ClinVar contains an entry for this variant (Variation ID: 1060447). An algorithm developed to predict the effect of missense changes on protein structure and function (PolyPhen-2) suggests that this variant is likely to be tolerated. In summary, the available evidence is currently insufficient to determine the role of this variant in disease. Therefore, it has been classified as a Variant of Uncertain Significance.